The following is an entry in ClinVar:

NM_001378183.1(PIEZO2):c.377A>C (p.Asp126Ala)

Gene: PIEZO2 (piezo type mechanosensitive ion channel component 2; minus strand). Cytogenetic location: 18p11.22.
Variant type: single nucleotide variant.
Coding change: c.377A>C on transcript NM_001378183.1 (MANE Select); coding-DNA position 377, A replaced by C.
Protein change: p.Asp126Ala; replaces aspartic acid 126 with alanine.
Molecular consequence: missense variant.
Genome position (GRCh38, 1-based): chr18:10,871,368, T>G on the plus strand (A>C on the coding strand, the complement: PIEZO2 is on the minus strand). VCF-style: chr18-10871368-T-G. GRCh37 (hg19) VCF-style: chr18-10871366-T-G.
Other names: c.377A>C, p.Asp126Ala (NM_001410871.1, NM_022068.4); short protein forms D126A.
Identifiers: ClinVar variation 2505642 (VCV002505642.1), dbSNP rs2511000480, ClinGen allele CA402030021.

ClinVar aggregate classification (germline): Uncertain significance (1 of 4 stars; one submission).

Submission:

GeneDx
Classification: Uncertain significance. Last evaluated: 2022-12-17. Review status: criteria provided, single submitter. Criteria: GeneDx Variant Classification Process June 2021. Collection method: clinical testing. Allele origin: germline. Affected: yes.
Comment: Not observed at significant frequency in large population cohorts (gnomAD); In silico analysis supports that this missense variant has a deleterious effect on protein structure/function; Has not been previously published as pathogenic or benign to our knowledge